The following is an entry in ClinVar:

ClinVar aggregate classification (germline): Uncertain significance (1 of 4 stars; one submission).

gnomAD v4.1: 4 of 1,202,421 alleles (0.00033%); highest among the groups gnomAD compares: Non-Finnish European, 0.00045%; no homozygotes.

Submission:

Labcorp Genetics (formerly Invitae), Labcorp
Classification: Uncertain significance. Last evaluated: 2026-01-27. Review status: criteria provided, single submitter. Criteria: Invitae Variant Classification Sherloc (09022015). Collection method: clinical testing. Allele origin: germline.
Comment: This sequence change replaces isoleucine, which is neutral and non-polar, with valine, which is neutral and non-polar, at codon 302 of the PHEX protein (p.Ile302Val). This variant is present in population databases (rs759411768, gnomAD 0.002%), including at least one homozygous and/or hemizygous individual. This variant has not been reported in the literature in individuals affected with PHEX-related conditions. ClinVar contains an entry for this variant (Variation ID: 3608103). Invitae Evidence Modeling of protein sequence and biophysical properties (such as structural, functional, and spatial information, amino acid conservation, physicochemical variation, residue mobility, and thermodynamic stability) has been performed for this missense variant. However, the output from this modeling did not meet the statistical confidence thresholds required to predict the impact of this variant on PHEX protein function. In summary, the available evidence is currently insufficient to determine the role of this variant in disease. Therefore, it has been classified as a Variant of Uncertain Significance.

NM_000444.6(PHEX):c.904A>G (p.Ile302Val)

Gene: PHEX (phosphate regulating endopeptidase X-linked; plus strand). Cytogenetic location: Xp22.11.
Variant type: single nucleotide variant.
Coding change: c.904A>G on transcript NM_000444.6 (MANE Select); coding-DNA position 904, A replaced by G.
Protein change: p.Ile302Val; replaces isoleucine 302 with valine.
Molecular consequence: missense variant.
Genome position (GRCh38, 1-based): chrX:22,097,009, A>G. VCF-style: chrX-22097009-A-G. GRCh37 (hg19) VCF-style: chrX-22115127-A-G.
Other names: c.904A>G, p.Ile302Val (NM_001282754.2); short protein forms I302V.
Identifiers: ClinVar variation 3608103 (VCV003608103.2).